The following is an entry in ClinVar:

NM_016955.4(SEPSECS):c.1023A>G (p.Arg341=)

Gene: SEPSECS (Sep (O-phosphoserine) tRNA:Sec (selenocysteine) tRNA synthase; minus strand). Cytogenetic location: 4p15.2.
Variant type: single nucleotide variant.
Coding change: c.1023A>G on transcript NM_016955.4 (MANE Select); coding-DNA position 1023, A replaced by G.
Protein change: p.Arg341=; no amino-acid change (arginine 341 retained).
Molecular consequence: synonymous variant.
Genome position (GRCh38, 1-based): chr4:25,144,777, T>C on the plus strand (A>G on the coding strand, the complement: SEPSECS is on the minus strand). VCF-style: chr4-25144777-T-C. GRCh37 (hg19) VCF-style: chr4-25146399-T-C.
Identifiers: ClinVar variation 695674 (VCV000695674.18), dbSNP rs148209667, ClinGen allele CA2877286.

ClinVar aggregate classification (germline): Benign/Likely benign. Review status: criteria provided, multiple submitters, no conflicts (2 of 4 stars). 5 submissions from 5 submitters: Benign (1); Likely benign (2). 2 of the submissions do not count toward it. Last evaluated 2026-01-25.

Conditions:
SEPSECS-related disorder. Also called: SEPSECS-related condition.
Pontocerebellar hypoplasia type 2D (PCH2D). Also called: Progressive cerebello-cerebral atrophy. Identifiers: Orphanet 247198, Orphanet 2524, MedGen C3151140, MONDO:0013438, OMIM 613811.

Allele frequency attached by ClinVar (database versions not stated): gnomAD exomes 0.00016 and 0.00042; ExAC 0.00051; 1000 Genomes Project 0.00120; 1000 Genomes Project 30x 0.00125; gnomAD 0.00156 and 0.00165; TOPMed 0.00173; ESP Exome Variant Server 0.00185.

Submissions (5):

Labcorp Genetics (formerly Invitae), Labcorp
Classification: Benign. Last evaluated: 2026-01-25. Review status: criteria provided, single submitter. Criteria: Invitae Variant Classification Sherloc (09022015). Collection method: clinical testing. Allele origin: germline.

GeneDx
Classification: Likely benign. Last evaluated: 2018-10-09. Review status: criteria provided, single submitter. Criteria: GeneDx Variant Classification Process June 2021. Collection method: clinical testing. Allele origin: germline. Affected: yes.

Breakthrough Genomics
Classification: Likely benign. Review status: criteria provided, single submitter. Criteria: ACMG Guidelines, 2015. Collection method: not provided. Allele origin: germline. Inheritance: Autosomal recessive inheritance. Affected: yes.

PreventionGenetics, part of Exact Sciences
Classification: Likely benign for SEPSECS-related condition. Last evaluated: 2024-05-23. Review status: no assertion criteria provided. Collection method: clinical testing. Allele origin: germline. Not counted in ClinVar's aggregate classification.
Comment: This variant is classified as likely benign based on ACMG/AMP sequence variant interpretation guidelines (Richards et al. 2015 PMID: 25741868, with internal and published modifications).

Natera, Inc.
Classification: Benign for Pontocerebellar hypoplasia type 2d. Last evaluated: 2020-09-16. Review status: no assertion criteria provided. Collection method: clinical testing. Allele origin: germline. Not counted in ClinVar's aggregate classification.